The following is an entry in ClinVar:

NM_003073.5(SMARCB1):c.795+5del

Gene: SMARCB1 (SWI/SNF related BAF chromatin remodeling complex subunit B1; plus strand). Cytogenetic location: 22q11.23.
Variant type: Deletion.
Coding change: c.795+5del on transcript NM_003073.5 (MANE Select); 5 bases into the intron after coding-DNA position 795, one base deleted (G; older notation c.795+5delG).
Molecular consequence: intron variant.
Genome position (GRCh38, 1-based): chr22:23,816,941, G deleted; the last of 2 consecutive G bases (chr22:23,816,940-23,816,941); deleting either gives the same sequence. VCF-style (leftmost placement, unchanged base first): chr22-23816939-AG-A. GRCh37 (hg19) VCF-style: chr22-24159126-AG-A.
Other names: c.849+5del (NM_001362877.2); c.822+5del (NM_001317946.2); c.768+5del (NM_001007468.3).
Identifiers: ClinVar variation 1398906 (VCV001398906.6), dbSNP rs2146010662, ClinGen allele CA2573157769.

ClinVar aggregate classification (germline): Uncertain significance (1 of 4 stars; one submission).

Submission:

Labcorp Genetics (formerly Invitae), Labcorp
Classification: Uncertain significance. Last evaluated: 2024-07-19. Review status: criteria provided, single submitter. Criteria: Invitae Variant Classification Sherloc (09022015). Collection method: clinical testing. Allele origin: germline.
Comment: This sequence change falls in intron 6 of the SMARCB1 gene. It does not directly change the encoded amino acid sequence of the SMARCB1 protein. It affects a nucleotide within the consensus splice site. This variant is not present in population databases (gnomAD no frequency). This variant has not been reported in the literature in individuals affected with SMARCB1-related conditions. ClinVar contains an entry for this variant (Variation ID: 1398906). Variants that disrupt the consensus splice site are a relatively common cause of aberrant splicing (PMID: 17576681, 9536098). Studies have shown that this variant is associated with inconclusive levels of altered splicing (Invitae). In summary, the available evidence is currently insufficient to determine the role of this variant in disease. Therefore, it has been classified as a Variant of Uncertain Significance.

Literature cited by the submitters: PubMed 17576681; PubMed 9536098.